The following is an entry in ClinVar:

NM_000334.4(SCN4A):c.2188G>A (p.Val730Met)

Genes: SCN4A (sodium voltage-gated channel alpha subunit 4; minus strand), GH-LCR (growth hormone locus control region; plus strand). Cytogenetic location: 17q23.3.
Variant type: single nucleotide variant.
Coding change: c.2188G>A on transcript NM_000334.4 (MANE Select); coding-DNA position 2188, G replaced by A.
Protein change: p.Val730Met; replaces valine 730 with methionine.
Molecular consequence: missense variant.
Genome position (GRCh38, 1-based): chr17:63,957,350, C>T on the plus strand (G>A on the coding strand, the complement: SCN4A is on the minus strand). VCF-style: chr17-63957350-C-T. GRCh37 (hg19) VCF-style: chr17-62034710-C-T.
Other names: p.Val730Met; short protein forms V730M.
Identifiers: ClinVar variation 477404 (VCV000477404.24), dbSNP rs113462659, ClinGen allele CA8709641.

ClinVar aggregate classification (germline): Conflicting classifications of pathogenicity. Review status: criteria provided, conflicting classifications (1 of 4 stars). 6 submissions from 6 submitters: Uncertain significance (2); Likely benign (3). 1 of the submissions does not count toward it. Last evaluated 2026-04-14.

Conditions:
Hyperkalemic periodic paralysis. Also called: Gamstorp disease; Familial hyperkalemic periodic paralysis. Identifiers: Orphanet 682, MedGen C0238357, MONDO:0008224, OMIM 170500, HP:0007215.
SCN4A-related disorder. Also called: SCN4A-related disorders.

Allele frequency attached by ClinVar (database versions not stated): TOPMed 0.00054; gnomAD 0.00058; gnomAD exomes 0.00062 and 0.00093; ExAC 0.00064; ESP Exome Variant Server 0.00069.
gnomAD v4.1: 1,410 of 1,614,012 alleles (0.087%); highest among the groups gnomAD compares: Non-Finnish European, 0.11%; 4 homozygotes.

Submissions (6):

Women's Health and Genetics/Laboratory Corporation of America, LabCorp
Classification: Likely benign. Last evaluated: 2026-04-14. Review status: criteria provided, single submitter. Criteria: LabCorp Variant Classification Summary - May 2015. Collection method: clinical testing. Allele origin: germline.
Comment: Variant summary: SCN4A c.2188G>A (p.Val730Met) results in a conservative amino acid change in the encoded protein sequence. Algorithms developed to predict the effect of missense changes on protein structure and function are either unavailable or do not agree on the potential impact of this missense change. The variant allele was found at a frequency of 0.00087 in 1614012 control chromosomes in the gnomAD database, including 4 homozygotes. To our knowledge, no occurrence of c.2188G>A in individuals affected with SCN4A-related conditions and no experimental evidence demonstrating its impact on protein function have been reported. ClinVar contains an entry for this variant (Variation ID: 477404). Based on the evidence outlined above, the variant was classified as likely benign.

Labcorp Genetics (formerly Invitae), Labcorp
Classification: Likely benign for Hyperkalemic periodic paralysis. Last evaluated: 2026-01-31. Review status: criteria provided, single submitter. Criteria: Invitae Variant Classification Sherloc (09022015). Collection method: clinical testing. Allele origin: germline.

GeneDx
Classification: Uncertain significance. Last evaluated: 2025-08-19. Review status: criteria provided, single submitter. Criteria: GeneDx Variant Classification Process June 2021. Collection method: clinical testing. Allele origin: germline. Affected: yes.
Comment: Identified and classified as a variant of uncertain significance in a patient with exertional heat illness in published literature (PMID: 32054689); In silico analysis supports that this missense variant has a deleterious effect on protein structure/function; This variant is associated with the following publications: (PMID: 32054689)

Athena Diagnostics
Classification: Likely benign. Last evaluated: 2025-02-19. Review status: criteria provided, single submitter. Criteria: Athena Diagnostics Criteria. Collection method: clinical testing. Allele origin: unknown.
Comment: The frequency of this variant in the general population is higher than would generally be expected for pathogenic variants in this gene.

Mayo Clinic Laboratories, Mayo Clinic
Classification: Uncertain significance. Last evaluated: 2023-04-21. Review status: criteria provided, single submitter. Criteria: ACMG Guidelines, 2015. Collection method: clinical testing. Allele origin: germline. Observed: 1 variant allele.
Comment: BS1, PP3

PreventionGenetics, part of Exact Sciences
Classification: Likely benign for SCN4A-related condition. Last evaluated: 2021-11-01. Review status: no assertion criteria provided. Collection method: clinical testing. Allele origin: germline. Not counted in ClinVar's aggregate classification.
Comment: This variant is classified as likely benign based on ACMG/AMP sequence variant interpretation guidelines (Richards et al. 2015 PMID: 25741868, with internal and published modifications).

Literature cited by the submitters: PubMed 32054689 (cited by Athena Diagnostics and Mayo Clinic Laboratories, Mayo Clinic).